The following is an entry in ClinVar:

NM_001371596.2(MFSD8):c.1090del (p.Ile364fs)

Gene: MFSD8 (major facilitator superfamily domain containing 8; minus strand). Cytogenetic location: 4q28.2.
Variant type: Deletion.
Coding change: c.1090del on transcript NM_001371596.2 (MANE Select); coding-DNA position 1090, one base deleted (A; older notation c.1090delA).
Protein change: p.Ile364fs; shifts the reading frame from isoleucine 364.
Molecular consequence: frameshift variant.
Genome position (GRCh38, 1-based): chr4:127,921,872, T deleted on the plus strand (A on the coding strand, the reverse complement: MFSD8 is on the minus strand); the first of 4 consecutive T bases (chr4:127,921,872-127,921,875); deleting any one gives the same sequence. VCF-style (leftmost placement, unchanged base first): chr4-127921871-AT-A. GRCh37 (hg19) VCF-style: chr4-128843026-AT-A.
Other names: c.886delA, p.Ile297Tyrfs (NM_001363520.3); c.772delA, p.Ile259Tyrfs (NM_001363521.3); c.952delA, p.Ile319Tyrfs (NM_001371590.2); c.1087delA, p.Ile364Tyrfs (NM_001371591.2); c.1093delA, p.Ile366Tyrfs (NM_001371592.2); c.973delA, p.Ile326Tyrfs (NM_001371593.2); c.940delA, p.Ile315Tyrfs (NM_001371594.2); c.808del, p.Ile270fs (NM_001371595.1); and 2 more; short protein forms I259fs, I364fs, I297fs, I326fs, I315fs, I270fs, I319fs, I366fs.
Identifiers: ClinVar variation 1455411 (VCV001455411.8), dbSNP rs2148840973, ClinGen allele CA2573138010.

ClinVar aggregate classification (germline): Pathogenic (1 of 4 stars; one submission).

Conditions:
Neuronal ceroid lipofuscinosis 7 (CLN7). Also called: MFSD8-Related Neuronal Ceroid-Lipofuscinosis. Identifiers: Orphanet 168491, Orphanet 228366, MedGen C1838571, MONDO:0012588, OMIM 610951.

Submission:

Labcorp Genetics (formerly Invitae), Labcorp
Classification: Pathogenic for Neuronal ceroid lipofuscinosis 7. Last evaluated: 2022-04-08. Review status: criteria provided, single submitter. Criteria: Invitae Variant Classification Sherloc (09022015). Collection method: clinical testing. Allele origin: germline.
Comment: For these reasons, this variant has been classified as Pathogenic. This variant has not been reported in the literature in individuals affected with MFSD8-related conditions. This variant is not present in population databases (gnomAD no frequency). This sequence change creates a premature translational stop signal (p.Ile364Tyrfs*50) in the MFSD8 gene. It is expected to result in an absent or disrupted protein product. Loss-of-function variants in MFSD8 are known to be pathogenic (PMID: 19177532, 25227500, 28586915).

Literature cited by the submitters: PubMed 19177532; PubMed 25227500; PubMed 28586915.